The following is an entry in ClinVar:

ClinVar aggregate classification (germline): Uncertain significance (1 of 4 stars; one submission).

Conditions:
Inborn genetic diseases. Identifiers: MedGen C0950123, MeSH D030342.

Submission:

Ambry Genetics
Classification: Uncertain significance for Inborn genetic diseases. Last evaluated: 2026-04-28. Review status: criteria provided, single submitter. Criteria: Ambry Variant Classification Scheme 2023. Collection method: clinical testing. Allele origin: germline.
Comment: The p.L228M variant (also known as c.682C>A), located in coding exon 6 of the RUNX1 gene, results from a C to A substitution at nucleotide position 682. The leucine at codon 228 is replaced by methionine, an amino acid with highly similar properties. This amino acid position is conserved. In addition, the in silico prediction for this alteration is inconclusive. Based on the available evidence, the clinical significance of this variant remains unclear.

NM_001754.5(RUNX1):c.682C>A (p.Leu228Met)

Gene: RUNX1 (RUNX family transcription factor 1; minus strand). Cytogenetic location: 21q22.12.
Variant type: single nucleotide variant.
Coding change: c.682C>A on transcript NM_001754.5 (MANE Select); coding-DNA position 682, C replaced by A.
Protein change: p.Leu228Met; replaces leucine 228 with methionine.
Molecular consequence: missense variant.
Genome position (GRCh38, 1-based): chr21:34,834,533, G>T on the plus strand (C>A on the coding strand, the complement: RUNX1 is on the minus strand). VCF-style: chr21-34834533-G-T. GRCh37 (hg19) VCF-style: chr21-36206830-G-T.
Other names: c.601C>A, p.Leu201Met (NM_001001890.3, NM_001122607.2); short protein forms L201M, L228M.
Identifiers: ClinVar variation 4863648 (VCV004863648.1).